The following is an entry in ClinVar:

ClinVar aggregate classification (germline): Uncertain significance (1 of 4 stars; one submission).

Conditions:
ALG1-congenital disorder of glycosylation. Also called: CONGENITAL DISORDER OF GLYCOSYLATION, TYPE Ik; CDG Ik; ALG1-CDG. Identifiers: Orphanet 79327, MedGen C2931005, MONDO:0012052, OMIM 608540.

Allele frequency attached by ClinVar (database versions not stated): TOPMed below 0.00001; gnomAD 0.00001.
gnomAD v4.1: 1 of 1,597,016 alleles (0.000063%); highest among the groups gnomAD compares: Non-Finnish European, 0.000085%; no homozygotes.

Submission:

Labcorp Genetics (formerly Invitae), Labcorp
Classification: Uncertain significance for ALG1-congenital disorder of glycosylation. Last evaluated: 2021-12-02. Review status: criteria provided, single submitter. Criteria: Invitae Variant Classification Sherloc (09022015). Collection method: clinical testing. Allele origin: germline.
Comment: In summary, the available evidence is currently insufficient to determine the role of this variant in disease. Therefore, it has been classified as a Variant of Uncertain Significance. Algorithms developed to predict the effect of missense changes on protein structure and function are either unavailable or do not agree on the potential impact of this missense change (SIFT: "Tolerated"; PolyPhen-2: "Probably Damaging"; Align-GVGD: "Class C0"). This variant has not been reported in the literature in individuals affected with ALG1-related conditions. This variant is not present in population databases (gnomAD no frequency). This sequence change replaces glutamic acid, which is acidic and polar, with glycine, which is neutral and non-polar, at codon 300 of the ALG1 protein (p.Glu300Gly).

NM_019109.5(ALG1):c.899A>G (p.Glu300Gly)

Gene: ALG1 (ALG1 chitobiosyldiphosphodolichol beta-mannosyltransferase; plus strand). Cytogenetic location: 16p13.3.
Variant type: single nucleotide variant.
Coding change: c.899A>G on transcript NM_019109.5 (MANE Select); coding-DNA position 899, A replaced by G.
Protein change: p.Glu300Gly; replaces glutamic acid 300 with glycine.
Molecular consequence: missense variant.
Genome position (GRCh38, 1-based): chr16:5,079,100, A>G. VCF-style: chr16-5079100-A-G. GRCh37 (hg19) VCF-style: chr16-5129101-A-G.
Other names: c.566A>G, p.Glu189Gly (NM_001330504.2); short protein forms E300G, E189G.
Identifiers: ClinVar variation 1395095 (VCV001395095.8), dbSNP rs1234795312, ClinGen allele CA394681990.
Genomic context (GRCh38, chr16:5,079,100, plus strand): 5'-TGACATTCAATTCTCTTCTCATAGAGGACGAAGACTTCTCCATCCTGCTGGCAGCTTTAG[A>G]AAGTAGGTGTGTGGCTGCGGTGAGGAGCTCTGGGCTTGTCGGGGGCCACTGAGCTGTAAG-3'
Protein context (NP_061982.3, residues 290-310): EDFSILLAAL[Glu300Gly]KFEQLTLDGH